The following is an entry in ClinVar:

ClinVar aggregate classification (germline): Uncertain significance. Review status: criteria provided, multiple submitters, no conflicts (2 of 4 stars). 2 submissions from 2 submitters: Uncertain significance (2). Last evaluated 2024-11-22.

Conditions:
Familial cancer of breast. Also called: BREAST CANCER, FAMILIAL; Hereditary breast cancer; hereditary breast carcinoma. Identifiers: Orphanet 227535, MedGen C0346153, MONDO:0016419, OMIM 114480. Disease mechanism: loss of function.
Hereditary cancer-predisposing syndrome. Also called: Hereditary Cancer Syndrome; Neoplastic Syndromes, Hereditary; Tumor predisposition; Hereditary neoplastic syndrome. Identifiers: Orphanet 140162, MedGen C0027672, MeSH D009386, MONDO:0015356.

Allele frequency attached by ClinVar (database versions not stated): gnomAD exomes below 0.00001.
gnomAD v4.1: 1 of 1,614,184 alleles (0.000062%); highest among the groups gnomAD compares: African/African-American, 0.0013%; no homozygotes.

Submissions (2):

Ambry Genetics
Classification: Uncertain significance for Hereditary cancer-predisposing syndrome. Last evaluated: 2024-11-22. Review status: criteria provided, single submitter. Criteria: Ambry Variant Classification Scheme 2023. Collection method: clinical testing. Allele origin: germline.
Comment: The p.C527Y variant (also known as c.1580G>A), located in coding exon 4 of the PALB2 gene, results from a G to A substitution at nucleotide position 1580. The cysteine at codon 527 is replaced by tyrosine, an amino acid with highly dissimilar properties. This amino acid position is poorly conserved in available vertebrate species. In addition, this alteration is predicted to be tolerated by in silico analysis. Since supporting evidence is limited at this time, the clinical significance of this alteration remains unclear.

Labcorp Genetics (formerly Invitae), Labcorp
Classification: Uncertain significance for Familial cancer of breast. Last evaluated: 2024-08-12. Review status: criteria provided, single submitter. Criteria: Invitae Variant Classification Sherloc (09022015). Collection method: clinical testing. Allele origin: germline.
Comment: This sequence change replaces cysteine, which is neutral and slightly polar, with tyrosine, which is neutral and polar, at codon 527 of the PALB2 protein (p.Cys527Tyr). This variant is not present in population databases (gnomAD no frequency). This variant has not been reported in the literature in individuals affected with PALB2-related conditions. ClinVar contains an entry for this variant (Variation ID: 480934). Advanced modeling of protein sequence and biophysical properties (such as structural, functional, and spatial information, amino acid conservation, physicochemical variation, residue mobility, and thermodynamic stability) performed at Invitae indicates that this missense variant is not expected to disrupt PALB2 protein function with a negative predictive value of 80%. In summary, the available evidence is currently insufficient to determine the role of this variant in disease. Therefore, it has been classified as a Variant of Uncertain Significance.

NM_024675.4(PALB2):c.1580G>A (p.Cys527Tyr)

Gene: PALB2 (partner and localizer of BRCA2; minus strand). Cytogenetic location: 16p12.2.
Variant type: single nucleotide variant.
Coding change: c.1580G>A on transcript NM_024675.4 (MANE Select); coding-DNA position 1580, G replaced by A.
Protein change: p.Cys527Tyr; replaces cysteine 527 with tyrosine.
Molecular consequence: missense variant.
Genome position (GRCh38, 1-based): chr16:23,634,966, C>T on the plus strand (G>A on the coding strand, the complement: PALB2 is on the minus strand). VCF-style: chr16-23634966-C-T. GRCh37 (hg19) VCF-style: chr16-23646287-C-T.
Other names: short protein forms C527Y.
Identifiers: ClinVar variation 480934 (VCV000480934.8), dbSNP rs1555461206, ClinGen allele CA395130653.